The following is an entry in ClinVar:

NM_001276270.2(MBD4):c.374C>G (p.Ala125Gly)

Gene: MBD4 (methyl-CpG binding domain 4, DNA glycosylase; minus strand). Cytogenetic location: 3q21.3.
Variant type: single nucleotide variant.
Coding change: c.374C>G on transcript NM_001276270.2 (MANE Select); coding-DNA position 374, C replaced by G.
Protein change: p.Ala125Gly; replaces alanine 125 with glycine.
Molecular consequence: missense variant. On other transcripts: intron variant (1).
Genome position (GRCh38, 1-based): chr3:129,437,270, G>C on the plus strand (C>G on the coding strand, the complement: MBD4 is on the minus strand). VCF-style: chr3-129437270-G-C. GRCh37 (hg19) VCF-style: chr3-129156113-G-C.
Other names: c.374C>G, p.Ala125Gly (NM_001276271.2, NM_001276272.2, NM_003925.3); c.247+538C>G (NM_001276273.2); short protein forms A125G.
Identifiers: ClinVar variation 3663512 (VCV003663512.2).

ClinVar aggregate classification (germline): Uncertain significance (1 of 4 stars; one submission).

Submission:

Labcorp Genetics (formerly Invitae), Labcorp
Classification: Uncertain significance. Last evaluated: 2025-11-17. Review status: criteria provided, single submitter. Criteria: Invitae Variant Classification Sherloc (09022015). Collection method: clinical testing. Allele origin: germline.
Comment: This sequence change replaces alanine, which is neutral and non-polar, with glycine, which is neutral and non-polar, at codon 125 of the MBD4 protein (p.Ala125Gly). This variant is not present in population databases (gnomAD no frequency). This variant has not been reported in the literature in individuals affected with MBD4-related conditions. ClinVar contains an entry for this variant (Variation ID: 3663512). An algorithm developed to predict the effect of missense changes on protein structure and function (PolyPhen-2) suggests that this variant is likely to be disruptive. In summary, the available evidence is currently insufficient to determine the role of this variant in disease. Therefore, it has been classified as a Variant of Uncertain Significance.